The following is an entry in ClinVar:

NM_000812.4(GABRB1):c.1013A>C (p.Lys338Thr)

Gene: GABRB1 (gamma-aminobutyric acid type A receptor subunit beta1; plus strand). Cytogenetic location: 4p12.
Variant type: single nucleotide variant.
Coding change: c.1013A>C on transcript NM_000812.4 (MANE Select); coding-DNA position 1013, A replaced by C.
Protein change: p.Lys338Thr; replaces lysine 338 with threonine.
Molecular consequence: missense variant.
Genome position (GRCh38, 1-based): chr4:47,406,859, A>C. VCF-style: chr4-47406859-A-C. GRCh37 (hg19) VCF-style: chr4-47408876-A-C.
Other names: short protein forms K338T.
Identifiers: ClinVar variation 2698290 (VCV002698290.3), dbSNP rs1728589926, ClinGen allele CA356811865.

ClinVar aggregate classification (germline): Uncertain significance (1 of 4 stars; one submission).

Submission:

Labcorp Genetics (formerly Invitae), Labcorp
Classification: Uncertain significance. Last evaluated: 2023-12-02. Review status: criteria provided, single submitter. Criteria: Invitae Variant Classification Sherloc (09022015). Collection method: clinical testing. Allele origin: germline.
Comment: This sequence change replaces lysine, which is basic and polar, with threonine, which is neutral and polar, at codon 338 of the GABRB1 protein (p.Lys338Thr). This variant is not present in population databases (gnomAD no frequency). This variant has not been reported in the literature in individuals affected with GABRB1-related conditions. Advanced modeling of protein sequence and biophysical properties (such as structural, functional, and spatial information, amino acid conservation, physicochemical variation, residue mobility, and thermodynamic stability) performed at Invitae indicates that this missense variant is not expected to disrupt GABRB1 protein function with a negative predictive value of 80%. In summary, the available evidence is currently insufficient to determine the role of this variant in disease. Therefore, it has been classified as a Variant of Uncertain Significance.